The following is an entry in ClinVar:

NM_005765.3(ATP6AP2):c.323G>A (p.Ser108Asn)

Gene: ATP6AP2 (ATPase H+ transporting accessory protein 2; plus strand). Cytogenetic location: Xp11.4.
Variant type: single nucleotide variant.
Coding change: c.323G>A on transcript NM_005765.3 (MANE Select); coding-DNA position 323, G replaced by A.
Protein change: p.Ser108Asn; replaces serine 108 with asparagine.
Molecular consequence: missense variant.
Genome position (GRCh38, 1-based): chrX:40,597,271, G>A. VCF-style: chrX-40597271-G-A. GRCh37 (hg19) VCF-style: chrX-40456523-G-A.
Other names: short protein forms S108N.
Identifiers: ClinVar variation 2959090 (VCV002959090.3), dbSNP rs1926796096, ClinGen allele CA412755237.

ClinVar aggregate classification (germline): Uncertain significance (1 of 4 stars; one submission).

Conditions:
Intellectual developmental disorder, X-linked, syndromic, Hedera type. Also called: Syndromic X-linked intellectual disability Hedera type. Identifiers: Orphanet 93952, MedGen C1845543, MONDO:0010319, OMIM 300423.

Allele frequency attached by ClinVar (database versions not stated): TOPMed 0.00001.

Submission:

Labcorp Genetics (formerly Invitae), Labcorp
Classification: Uncertain significance for Intellectual developmental disorder, X-linked, syndromic, Hedera type. Last evaluated: 2023-02-09. Review status: criteria provided, single submitter. Criteria: Invitae Variant Classification Sherloc (09022015). Collection method: clinical testing. Allele origin: germline.
Comment: This sequence change replaces serine, which is neutral and polar, with asparagine, which is neutral and polar, at codon 108 of the ATP6AP2 protein (p.Ser108Asn). This variant is not present in population databases (gnomAD no frequency). This variant has not been reported in the literature in individuals affected with ATP6AP2-related conditions. Advanced modeling of protein sequence and biophysical properties (such as structural, functional, and spatial information, amino acid conservation, physicochemical variation, residue mobility, and thermodynamic stability) performed at Invitae indicates that this missense variant is not expected to disrupt ATP6AP2 protein function. In summary, the available evidence is currently insufficient to determine the role of this variant in disease. Therefore, it has been classified as a Variant of Uncertain Significance.